The following is an entry in ClinVar:

NM_006662.3(SRCAP):c.5494C>T (p.Pro1832Ser)

Gene: SRCAP (Snf2 related CREBBP activator protein; plus strand). Cytogenetic location: 16p11.2.
Variant type: single nucleotide variant.
Coding change: c.5494C>T on transcript NM_006662.3 (MANE Select); coding-DNA position 5494, C replaced by T.
Protein change: p.Pro1832Ser; replaces proline 1832 with serine.
Molecular consequence: missense variant.
Genome position (GRCh38, 1-based): chr16:30,724,918, C>T. VCF-style: chr16-30724918-C-T. GRCh37 (hg19) VCF-style: chr16-30736239-C-T.
Other names: short protein forms P1832S.
Identifiers: ClinVar variation 1701287 (VCV001701287.31), dbSNP rs772086026, ClinGen allele CA8011988.

ClinVar aggregate classification (germline): Likely benign (1 of 4 stars; one submission).

Allele frequency attached by ClinVar (database versions not stated): TOPMed below 0.00001; gnomAD exomes 0.00001; ExAC 0.00002.
gnomAD v4.1: 10 of 1,614,248 alleles (0.00062%); highest among the groups gnomAD compares: Middle Eastern, 0.016%; no homozygotes.

Submission:

CeGaT Center for Human Genetics Tuebingen
Classification: Likely benign. Last evaluated: 2022-07-01. Review status: criteria provided, single submitter. Criteria: CeGaT Center For Human Genetics Tuebingen Variant Classification Criteria Version 2. Collection method: clinical testing. Allele origin: germline. Affected: yes. Observed: 1 variant allele.
Comment: SRCAP: BP4